The following is an entry in ClinVar:

ClinVar aggregate classification (germline): Uncertain significance (1 of 4 stars; one submission).

Conditions:
Leber congenital amaurosis 4 (LCA4). Identifiers: MedGen C1858386, MONDO:0011458, OMIM 604393.

Submission:

Labcorp Genetics (formerly Invitae), Labcorp
Classification: Uncertain significance for Leber congenital amaurosis 4. Last evaluated: 2022-03-13. Review status: criteria provided, single submitter. Criteria: Invitae Variant Classification Sherloc (09022015). Collection method: clinical testing. Allele origin: germline.
Comment: This sequence change replaces proline, which is neutral and non-polar, with threonine, which is neutral and polar, at codon 366 of the AIPL1 protein (p.Pro366Thr). This variant is not present in population databases (gnomAD no frequency). This variant has not been reported in the literature in individuals affected with AIPL1-related conditions. Algorithms developed to predict the effect of missense changes on protein structure and function are either unavailable or do not agree on the potential impact of this missense change (SIFT: "Tolerated"; PolyPhen-2: "Not Available"; Align-GVGD: "Class C0"). In summary, the available evidence is currently insufficient to determine the role of this variant in disease. Therefore, it has been classified as a Variant of Uncertain Significance.

NM_014336.5(AIPL1):c.1096C>A (p.Pro366Thr)

Gene: AIPL1 (AIP like 1 HSP90 co-chaperone; minus strand). Cytogenetic location: 17p13.2.
Variant type: single nucleotide variant.
Coding change: c.1096C>A on transcript NM_014336.5 (MANE Select); coding-DNA position 1096, C replaced by A.
Protein change: p.Pro366Thr; replaces proline 366 with threonine.
Molecular consequence: missense variant. On other transcripts: 3 prime UTR variant (1).
Genome position (GRCh38, 1-based): chr17:6,425,519, G>T on the plus strand (C>A on the coding strand, the complement: AIPL1 is on the minus strand). VCF-style: chr17-6425519-G-T. GRCh37 (hg19) VCF-style: chr17-6328839-G-T.
Other names: c.979C>A, p.Pro327Thr (NM_001285402.2); c.*1067C>A (NM_001285403.4); c.907C>A, p.Pro303Thr (NM_001033054.3); c.916C>A, p.Pro306Thr (NM_001033055.3); c.1060C>A, p.Pro354Thr (NM_001285399.3); c.1030C>A, p.Pro344Thr (NM_001285400.3); c.1024C>A, p.Pro342Thr (NM_001285401.3); short protein forms P303T, P306T, P354T, P327T, P342T, P344T, P366T.
Identifiers: ClinVar variation 1497195 (VCV001497195.5), dbSNP rs1351212825, ClinGen allele CA397394273.